The following is an entry in ClinVar:

ClinVar aggregate classification (germline): Pathogenic. Review status: criteria provided, multiple submitters, no conflicts (2 of 4 stars). 2 submissions from 2 submitters: Pathogenic (2). Last evaluated 2024-11-19.

Conditions:
TG-related disorder. Also called: TG-related condition; TG-related disorders.

Allele frequency attached by ClinVar (database versions not stated): gnomAD exomes below 0.00001.
gnomAD v4.1: 2 of 1,613,636 alleles (0.00012%); highest among the groups gnomAD compares: Admixed American, 0.0017%; no homozygotes.

Submissions (2):

Women's Health and Genetics/Laboratory Corporation of America, LabCorp
Classification: Pathogenic for TG-Related Disorders. Last evaluated: 2024-11-19. Review status: criteria provided, single submitter. Criteria: LabCorp Variant Classification Summary - May 2015. Collection method: clinical testing. Allele origin: germline.
Comment: Variant summary: TG c.5389G>T (p.Glu1797X) results in a premature termination codon, predicted to cause a truncation of the encoded protein or absence of the protein due to nonsense mediated decay, which are commonly known mechanisms for disease. The variant allele was found at a frequency of 4e-06 in 251068 control chromosomes. To our knowledge, no occurrence of c.5389G>T in individuals affected with TG-Related Disorders and no experimental evidence demonstrating its impact on protein function have been reported. ClinVar contains an entry for this variant (Variation ID: 2987981). Based on the evidence outlined above, the variant was classified as pathogenic.

Labcorp Genetics (formerly Invitae), Labcorp
Classification: Pathogenic. Last evaluated: 2023-09-17. Review status: criteria provided, single submitter. Criteria: Invitae Variant Classification Sherloc (09022015). Collection method: clinical testing. Allele origin: germline.
Comment: For these reasons, this variant has been classified as Pathogenic. This premature translational stop signal has been observed in individual(s) with congenital hypothyroidism (PMID: 34200080). This variant is present in population databases (no rsID available, gnomAD no frequency). This sequence change creates a premature translational stop signal (p.Glu1797*) in the TG gene. It is expected to result in an absent or disrupted protein product. Loss-of-function variants in TG are known to be pathogenic (PMID: 19837936, 23164529).

Literature cited by the submitters: PubMed 34200080 (cited by Labcorp Genetics (formerly Invitae), Labcorp); PubMed 19837936 (cited by Labcorp Genetics (formerly Invitae), Labcorp); PubMed 23164529 (cited by Labcorp Genetics (formerly Invitae), Labcorp).

NM_003235.5(TG):c.5389G>T (p.Glu1797Ter)

Gene: TG (thyroglobulin; plus strand). Cytogenetic location: 8q24.22.
Variant type: single nucleotide variant.
Coding change: c.5389G>T on transcript NM_003235.5 (MANE Select); coding-DNA position 5389, G replaced by T.
Protein change: p.Glu1797Ter; replaces glutamic acid 1797 with a stop codon.
Molecular consequence: nonsense.
Genome position (GRCh38, 1-based): chr8:132,948,931, G>T. VCF-style: chr8-132948931-G-T. GRCh37 (hg19) VCF-style: chr8-133961176-G-T.
Other names: short protein forms E1797*.
Identifiers: ClinVar variation 2987981 (VCV002987981.4), dbSNP rs1464861162, ClinGen allele CA372228589.